The following is an entry in ClinVar:

NM_002230.4(JUP):c.203G>A (p.Ser68Asn)

Gene: JUP (junction plakoglobin; minus strand). Cytogenetic location: 17q21.2.
Variant type: single nucleotide variant.
Coding change: c.203G>A on transcript NM_002230.4 (MANE Select); coding-DNA position 203, G replaced by A.
Protein change: p.Ser68Asn; replaces serine 68 with asparagine.
Molecular consequence: missense variant.
Genome position (GRCh38, 1-based): chr17:41,771,652, C>T on the plus strand (G>A on the coding strand, the complement: JUP is on the minus strand). VCF-style: chr17-41771652-C-T. GRCh37 (hg19) VCF-style: chr17-39927904-C-T.
Other names: c.203G>A, p.Ser68Asn (NM_001352775.2, NM_001352776.2, NM_001352773.2 and 3 more transcripts); short protein forms S68N.
Identifiers: ClinVar variation 2448235 (VCV002448235.4), dbSNP rs1555606905, ClinGen allele CA399506537.

ClinVar aggregate classification (germline): Uncertain significance. Review status: criteria provided, multiple submitters, no conflicts (2 of 4 stars). 2 submissions from 2 submitters: Uncertain significance (2). Last evaluated 2024-12-23.

Conditions:
Arrhythmogenic right ventricular dysplasia 12. Also called: ARRHYTHMOGENIC RIGHT VENTRICULAR DYSPLASIA, FAMILIAL, 12. Identifiers: MedGen C1969081, MONDO:0012684, OMIM 611528.
Naxos disease (NXD). Also called: KERATOSIS PALMOPLANTARIS WITH ARRHYTHMOGENIC CARDIOMYOPATHY; MAL DE NAXOS; PALMOPLANTAR KERATODERMA WITH ARRHYTHMOGENIC RIGHT VENTRICULAR CARDIOMYOPATHY AND WOOLLY HAIR; WOOLLY HAIR, PALMOPLANTAR KERATODERMA, AND CARDIAC ABNORMALITIES; CARDIOMYOPATHY, ARRHYTHMOGENIC RIGHT VENTRICULAR, WITH SKIN, HAIR, AND NAIL ABNORMALITIES. Identifiers: Orphanet 34217, MedGen C1832600, MONDO:0011017, OMIM 601214.
Cardiovascular phenotype. Identifiers: MedGen CN230736.

gnomAD v4.1: 1 of 1,613,536 alleles (0.000062%); highest among the groups gnomAD compares: Admixed American, 0.0017%; no homozygotes.

Submissions (2):

Labcorp Genetics (formerly Invitae), Labcorp
Classification: Uncertain significance for Arrhythmogenic right ventricular dysplasia 12; Naxos disease. Last evaluated: 2024-12-23. Review status: criteria provided, single submitter. Criteria: Invitae Variant Classification Sherloc (09022015). Collection method: clinical testing. Allele origin: germline.
Comment: This sequence change replaces serine, which is neutral and polar, with asparagine, which is neutral and polar, at codon 68 of the JUP protein (p.Ser68Asn). This variant is present in population databases (no rsID available, gnomAD 0.003%). This variant has not been reported in the literature in individuals affected with JUP-related conditions. ClinVar contains an entry for this variant (Variation ID: 2448235). An algorithm developed to predict the effect of missense changes on protein structure and function outputs the following: PolyPhen-2: "Benign". The asparagine amino acid residue is found in multiple mammalian species, which suggests that this missense change does not adversely affect protein function. In summary, the available evidence is currently insufficient to determine the role of this variant in disease. Therefore, it has been classified as a Variant of Uncertain Significance.

Ambry Genetics
Classification: Uncertain significance for Cardiovascular phenotype. Last evaluated: 2022-12-11. Review status: criteria provided, single submitter. Criteria: Ambry Variant Classification Scheme 2023. Collection method: clinical testing. Allele origin: germline.
Comment: The p.S68N variant (also known as c.203G>A), located in coding exon 1 of the JUP gene, results from a G to A substitution at nucleotide position 203. The serine at codon 68 is replaced by asparagine, an amino acid with highly similar properties. This amino acid position is conserved. In addition, this alteration is predicted to be tolerated by in silico analysis. Since supporting evidence is limited at this time, the clinical significance of this alteration remains unclear.